The following is an entry in ClinVar:

NM_001375808.2(LPIN2):c.*657A>C

Gene: LPIN2 (lipin 2; minus strand). Cytogenetic location: 18p11.31.
Variant type: single nucleotide variant.
Coding change: c.*657A>C on transcript NM_001375808.2 (MANE Select); 657 bases downstream of the stop codon, A replaced by C.
Molecular consequence: 3 prime UTR variant.
Genome position (GRCh38, 1-based): chr18:2,919,636, T>G on the plus strand (A>C on the coding strand, the complement: LPIN2 is on the minus strand). VCF-style: chr18-2919636-T-G. GRCh37 (hg19) VCF-style: chr18-2919634-T-G.
Other names: c.*657A>C (NM_001375809.1, NM_014646.2).
Identifiers: ClinVar variation 326614 (VCV000326614.6), dbSNP rs16944040, ClinGen allele CA10650681.

ClinVar aggregate classification (germline): Benign. Review status: criteria provided, multiple submitters, no conflicts (2 of 4 stars). 2 submissions from 2 submitters: Benign (2). Last evaluated 2018-01-13.

Conditions:
Majeed syndrome (MJDS). Also called: CHRONIC RECURRENT MULTIFOCAL OSTEOMYELITIS 1, WITH CONGENITAL DYSERYTHROPOIETIC ANEMIA, WITH OR WITHOUT NEUTROPHILIC DERMATOSIS; LPIN2-Related Majeed Syndrome. Identifiers: Orphanet 77297, MedGen C1864997, MONDO:0012316, OMIM 609628.

Allele frequency attached by ClinVar (database versions not stated): 1000 Genomes Project 0.15315; 1000 Genomes Project 30x 0.16021; gnomAD 0.16453; gnomAD exomes 0.08935; TOPMed 0.17344.
gnomAD v4.1: 25,742 of 155,814 alleles (17%); highest among the groups gnomAD compares: African/African-American, 34%; 3,052 homozygotes.

Submissions (2):

Illumina Laboratory Services, Illumina
Classification: Benign for Majeed syndrome. Last evaluated: 2018-01-13. Review status: criteria provided, single submitter. Criteria: ICSL Variant Classification Criteria 13 December 2019. Collection method: clinical testing. Allele origin: germline.
Comment: This variant was observed in the ICSL laboratory as part of a predisposition screen in an ostensibly healthy population. It had not been previously curated by ICSL or reported in the Human Gene Mutation Database (HGMD: prior to June 1st, 2018), and was therefore a candidate for classification through an automated scoring system. Utilizing variant allele frequency, disease prevalence and penetrance estimates, and inheritance mode, an automated score was calculated to assess if this variant is too frequent to cause the disease. Based on the score and internal cut-off values, a variant classified as benign is not then subjected to further curation. The score for this variant resulted in a classification of benign for this disease.

Breakthrough Genomics
Classification: Benign. Review status: criteria provided, single submitter. Criteria: ACMG Guidelines, 2015. Collection method: not provided. Allele origin: germline. Inheritance: Unknown mechanism. Affected: yes.